The following is an entry in ClinVar:

ClinVar aggregate classification (germline): Uncertain significance. Review status: criteria provided, multiple submitters, no conflicts (2 of 4 stars). 2 submissions from 2 submitters: Uncertain significance (2). Last evaluated 2021-11-30.

Conditions:
Autosomal recessive early-onset Parkinson disease 23. Identifiers: Orphanet 2828, MedGen C4225186, MONDO:0014796, OMIM 616840.

Allele frequency attached by ClinVar (database versions not stated): gnomAD 0.00007 and 0.00008; TOPMed 0.00007; ExAC 0.00009; ESP Exome Variant Server 0.00015.
gnomAD v4.1: 58 of 1,571,102 alleles (0.0037%); highest among the groups gnomAD compares: African/African-American, 0.0068%; no homozygotes.

Submissions (2):

Labcorp Genetics (formerly Invitae), Labcorp
Classification: Uncertain significance. Last evaluated: 2021-11-30. Review status: criteria provided, single submitter. Criteria: Invitae Variant Classification Sherloc (09022015). Collection method: clinical testing. Allele origin: germline.
Comment: This sequence change replaces tyrosine, which is neutral and polar, with histidine, which is basic and polar, at codon 376 of the VPS13C protein (p.Tyr376His). This variant is present in population databases (rs373559813, gnomAD 0.01%). This variant has not been reported in the literature in individuals affected with VPS13C-related conditions. Algorithms developed to predict the effect of missense changes on protein structure and function are either unavailable or do not agree on the potential impact of this missense change (SIFT: "Deleterious"; PolyPhen-2: "Probably Damaging"; Align-GVGD: "Class C0"). In summary, the available evidence is currently insufficient to determine the role of this variant in disease. Therefore, it has been classified as a Variant of Uncertain Significance.

Revvity Omics, Revvity
Classification: Uncertain significance for Autosomal recessive early-onset Parkinson disease 23. Last evaluated: 2019-05-03. Review status: criteria provided, single submitter. Criteria: ACMG Guidelines, 2015. Collection method: clinical testing. Allele origin: germline.

NM_020821.3(VPS13C):c.1126T>C (p.Tyr376His)

Gene: VPS13C (vacuolar protein sorting 13 homolog C; minus strand). Cytogenetic location: 15q22.2.
Variant type: single nucleotide variant.
Coding change: c.1126T>C on transcript NM_020821.3 (MANE Select); coding-DNA position 1126, T replaced by C.
Protein change: p.Tyr376His; replaces tyrosine 376 with histidine.
Molecular consequence: missense variant.
Genome position (GRCh38, 1-based): chr15:62,007,472, A>G on the plus strand (T>C on the coding strand, the complement: VPS13C is on the minus strand). VCF-style: chr15-62007472-A-G. GRCh37 (hg19) VCF-style: chr15-62299671-A-G.
Other names: c.1126T>C (NM_020821.2); c.1126T>C, p.Tyr376His (NM_001018088.3); c.997T>C, p.Tyr333His (NM_017684.5, NM_018080.4); short protein forms Y376H, Y333H.
Identifiers: ClinVar variation 1517517 (VCV001517517.5), dbSNP rs373559813, ClinGen allele CA7597190.